The following is an entry in ClinVar:

NC_000003.11:g.(?_30729866)_(30730013_?)del

Gene: TGFBR2 (transforming growth factor beta receptor 2; plus strand). Cytogenetic location: 3p24.1.
Variant type: Deletion.
Identifiers: ClinVar variation 1054295 (VCV001054295.1).

ClinVar aggregate classification (germline): Uncertain significance (1 of 4 stars; one submission).

Conditions:
Familial thoracic aortic aneurysm and aortic dissection (TAAD). Also called: Thoracic aortic aneurysms and dissections. Identifiers: Orphanet 91387, MedGen C4707243, MONDO:0019625.

Submission:

Labcorp Genetics (formerly Invitae), Labcorp
Classification: Uncertain significance for Familial thoracic aortic aneurysm and aortic dissection. Last evaluated: 2020-02-28. Review status: criteria provided, single submitter. Criteria: Invitae Variant Classification Sherloc (09022015). Collection method: clinical testing. Allele origin: germline.
Comment: This variant is a sub-genic deletion of the genomic region encompassing exon 6 of the TGFBR2 gene. While this deletion is not anticipated to result in nonsense mediated decay, it is expected to create a truncated protein product. This variant has not been reported in the literature in individuals with TGFBR2-related conditions. Experimental studies and prediction algorithms are not available or were not evaluated, and the functional significance of this variant is currently unknown. In summary, the available evidence is currently insufficient to determine the role of this variant in disease. Therefore, it has been classified as a Variant of Uncertain Significance.